The following is an entry in ClinVar:

NM_001291303.3(FAT4):c.14179A>G (p.Ile4727Val)

Gene: FAT4 (FAT atypical cadherin 4; plus strand). Cytogenetic location: 4q28.1.
Variant type: single nucleotide variant.
Coding change: c.14179A>G on transcript NM_001291303.3 (MANE Select); coding-DNA position 14179, A replaced by G.
Protein change: p.Ile4727Val; replaces isoleucine 4727 with valine.
Molecular consequence: missense variant.
Genome position (GRCh38, 1-based): chr4:125,490,995, A>G. VCF-style: chr4-125490995-A-G. GRCh37 (hg19) VCF-style: chr4-126412150-A-G.
Other names: c.14176A>G, p.Ile4726Val (NM_001291285.3); c.14173A>G, p.Ile4725Val (NM_024582.6); short protein forms I4726V, I4725V, I4727V.
Identifiers: ClinVar variation 1404561 (VCV001404561.5), dbSNP rs764430401, ClinGen allele CA3074517.

ClinVar aggregate classification (germline): Uncertain significance (1 of 4 stars; one submission).

Allele frequency attached by ClinVar (database versions not stated): ExAC 0.00002; gnomAD 0.00002; gnomAD exomes 0.00002 and 0.00004; TOPMed 0.00002.

Submission:

Labcorp Genetics (formerly Invitae), Labcorp
Classification: Uncertain significance. Last evaluated: 2022-08-15. Review status: criteria provided, single submitter. Criteria: Invitae Variant Classification Sherloc (09022015). Collection method: clinical testing. Allele origin: germline.
Comment: This sequence change replaces isoleucine, which is neutral and non-polar, with valine, which is neutral and non-polar, at codon 4725 of the FAT4 protein (p.Ile4725Val). This variant is present in population databases (rs764430401, gnomAD 0.03%). This variant has not been reported in the literature in individuals affected with FAT4-related conditions. ClinVar contains an entry for this variant (Variation ID: 1404561). Advanced modeling of protein sequence and biophysical properties (such as structural, functional, and spatial information, amino acid conservation, physicochemical variation, residue mobility, and thermodynamic stability) performed at Invitae indicates that this missense variant is not expected to disrupt FAT4 protein function. Algorithms developed to predict the effect of sequence changes on RNA splicing suggest that this variant may create or strengthen a splice site. In summary, the available evidence is currently insufficient to determine the role of this variant in disease. Therefore, it has been classified as a Variant of Uncertain Significance.